The following is an entry in ClinVar:

ClinVar aggregate classification (germline): Benign/Likely benign. Review status: criteria provided, multiple submitters, no conflicts (2 of 4 stars). 5 submissions from 5 submitters: Benign (1); Likely benign (3). 1 of the submissions does not count toward it. Last evaluated 2025-12-15.

Conditions:
Primary ciliary dyskinesia 7. Also called: CILIARY DYSKINESIA, PRIMARY, 7, WITH OR WITHOUT SITUS INVERSUS. Identifiers: Orphanet 244, MedGen C2678473, MONDO:0012748, OMIM 611884.
DNAH11-related disorder. Also called: DNAH11-related condition.
Primary ciliary dyskinesia. Also called: Ciliary dyskinesia. Identifiers: Orphanet 244, MedGen C0008780, MONDO:0016575, HP:0012265.

Allele frequency attached by ClinVar (database versions not stated): gnomAD exomes 0.00008 and 0.00027; ExAC 0.00034; gnomAD 0.00108 and 0.00109; ESP Exome Variant Server 0.00117; TOPMed 0.00125; 1000 Genomes Project 0.00200; 1000 Genomes Project 30x 0.00203.
gnomAD v4.1: 283 of 1,604,898 alleles (0.018%); highest among the groups gnomAD compares: African/African-American, 0.35%; 1 homozygote.

Submissions (5):

Labcorp Genetics (formerly Invitae), Labcorp
Classification: Likely benign for Primary ciliary dyskinesia. Last evaluated: 2025-12-15. Review status: criteria provided, single submitter. Criteria: Invitae Variant Classification Sherloc (09022015). Collection method: clinical testing. Allele origin: germline.

Blueprint Genetics
Classification: Likely benign. Last evaluated: 2024-04-11. Review status: criteria provided, single submitter. Criteria: ACMG Guidelines, 2015. Collection method: clinical testing. Allele origin: germline.

ARUP Laboratories, Molecular Genetics and Genomics, ARUP Laboratories
Classification: Likely benign for Primary ciliary dyskinesia 7. Last evaluated: 2023-08-21. Review status: criteria provided, single submitter. Criteria: ARUP Molecular Germline Variant Investigation Process 2024. Collection method: clinical testing. Allele origin: germline.

Ambry Genetics
Classification: Benign for Primary ciliary dyskinesia. Last evaluated: 2021-02-18. Review status: criteria provided, single submitter. Criteria: Ambry Variant Classification Scheme 2023. Collection method: clinical testing. Allele origin: germline.

PreventionGenetics, part of Exact Sciences
Classification: Likely benign for DNAH11-related condition. Last evaluated: 2022-05-31. Review status: no assertion criteria provided. Collection method: clinical testing. Allele origin: germline. Not counted in ClinVar's aggregate classification.
Comment: This variant is classified as likely benign based on ACMG/AMP sequence variant interpretation guidelines (Richards et al. 2015 PMID: 25741868, with internal and published modifications).

NM_001277115.2(DNAH11):c.12370T>G (p.Leu4124Val)

Gene: DNAH11 (dynein axonemal heavy chain 11; plus strand). Cytogenetic location: 7p15.3.
Variant type: single nucleotide variant.
Coding change: c.12370T>G on transcript NM_001277115.2 (MANE Select); coding-DNA position 12370, T replaced by G.
Protein change: p.Leu4124Val; replaces leucine 4124 with valine.
Molecular consequence: missense variant.
Genome position (GRCh38, 1-based): chr7:21,880,876, T>G. VCF-style: chr7-21880876-T-G. GRCh37 (hg19) VCF-style: chr7-21920494-T-G.
Other names: short protein forms L4124V.
Identifiers: ClinVar variation 416439 (VCV000416439.16), dbSNP rs151156028, ClinGen allele CA4183045.